The following is an entry in ClinVar:

ClinVar aggregate classification (germline): Conflicting classifications of pathogenicity. Review status: criteria provided, conflicting classifications (1 of 4 stars). 3 submissions from 3 submitters: Uncertain significance (2); Likely benign (1). Last evaluated 2025-08-09.

Conditions:
Cardiovascular phenotype. Identifiers: MedGen CN230736.
X-linked myopathy with postural muscle atrophy. Also called: FHL1-Related Emery-Dreifuss Muscular Dystrophy, X-Linked. Identifiers: Orphanet 178461, MedGen C2678055, MONDO:0010401, OMIM 300696.

Allele frequency attached by ClinVar (database versions not stated): TOPMed 0.00005.
gnomAD v4.1: 43 of 1,208,774 alleles (0.0036%); highest among the groups gnomAD compares: Admixed American, 0.0088%; no homozygotes.

Submissions (3):

Ambry Genetics
Classification: Uncertain significance for Cardiovascular phenotype. Last evaluated: 2025-08-09. Review status: criteria provided, single submitter. Criteria: Ambry Variant Classification Scheme 2023. Collection method: clinical testing. Allele origin: germline.
Comment: The p.V257L variant (also known as c.769G>C), located in coding exon 5 of the FHL1 gene, results from a G to C substitution at nucleotide position 769. The valine at codon 257 is replaced by leucine, an amino acid with highly similar properties. Based on data from gnomAD, the C allele has an overall frequency of <0.01% (8/183526) total alleles studied, with 4 hemizygote(s) observed. The highest observed frequency was 0.01% (3/27431) of Latino alleles. This amino acid position is poorly conserved in available vertebrate species. In addition, the in silico prediction for this alteration is inconclusive. Since supporting evidence is limited at this time, the clinical significance of this alteration remains unclear.

Labcorp Genetics (formerly Invitae), Labcorp
Classification: Uncertain significance for X-linked myopathy with postural muscle atrophy. Last evaluated: 2024-01-15. Review status: criteria provided, single submitter. Criteria: Invitae Variant Classification Sherloc (09022015). Collection method: clinical testing. Allele origin: germline.
Comment: This sequence change replaces valine, which is neutral and non-polar, with leucine, which is neutral and non-polar, at codon 257 of the FHL1 protein (p.Val257Leu). This variant is present in population databases (rs190006104, gnomAD 0.01%). This variant has not been reported in the literature in individuals affected with FHL1-related conditions. ClinVar contains an entry for this variant (Variation ID: 838540). Algorithms developed to predict the effect of missense changes on protein structure and function output the following: SIFT: "Not Available"; PolyPhen-2: "Benign"; Align-GVGD: "Not Available". The leucine amino acid residue is found in multiple mammalian species, which suggests that this missense change does not adversely affect protein function. In summary, the available evidence is currently insufficient to determine the role of this variant in disease. Therefore, it has been classified as a Variant of Uncertain Significance.

GeneDx
Classification: Likely benign. Last evaluated: 2019-11-08. Review status: criteria provided, single submitter. Criteria: GeneDx Variant Classification Process June 2021. Collection method: clinical testing. Allele origin: germline. Affected: yes.

NM_001159699.2(FHL1):c.817G>C (p.Val273Leu)

Gene: FHL1 (four and a half LIM domains 1; plus strand). Cytogenetic location: Xq26.3.
Variant type: single nucleotide variant.
Coding change: c.817G>C on transcript NM_001159699.2 (MANE Select); coding-DNA position 817, G replaced by C.
Protein change: p.Val273Leu; replaces valine 273 with leucine.
Molecular consequence: missense variant. On other transcripts: synonymous variant (6), non-coding transcript variant (1).
Genome position (GRCh38, 1-based): chrX:136,209,951, G>C. VCF-style: chrX-136209951-G-C. GRCh37 (hg19) VCF-style: chrX-135292110-G-C.
Other names: c.769G>C, p.Val257Leu (NM_001159700.2, NM_001159704.1, NM_001167819.1 and 4 more transcripts); c.856G>C, p.Val286Leu (NM_001159701.2); c.969G>C, p.Pro323= (NM_001159702.3, NM_001369326.1, NM_001369327.2 and 1 more transcripts); c.582G>C, p.Pro194= (NM_001159703.2); c.630G>C, p.Pro210= (NM_001330659.2); short protein forms V273L, V286L, V257L.
Identifiers: ClinVar variation 838540 (VCV000838540.12), dbSNP rs190006104, ClinGen allele CA10525128.